The following is an entry in ClinVar:

ClinVar aggregate classification (germline): Uncertain significance (1 of 4 stars; one submission).

Conditions:
Cardiovascular phenotype. Identifiers: MedGen CN230736.

Submission:

Ambry Genetics
Classification: Uncertain significance for Cardiovascular phenotype. Last evaluated: 2025-07-22. Review status: criteria provided, single submitter. Criteria: Ambry Variant Classification Scheme 2023. Collection method: clinical testing. Allele origin: germline.
Comment: The p.S83C variant (also known as c.248C>G), located in coding exon 2 of the BGN gene, results from a C to G substitution at nucleotide position 248. The serine at codon 83 is replaced by cysteine, an amino acid with dissimilar properties. This amino acid position is conserved. In addition, the in silico prediction for this alteration is inconclusive. Based on the available evidence, the clinical significance of this variant remains unclear.

NM_001711.6(BGN):c.248C>G (p.Ser83Cys)

Gene: BGN (biglycan; plus strand). Cytogenetic location: Xq28.
Variant type: single nucleotide variant.
Coding change: c.248C>G on transcript NM_001711.6 (MANE Select); coding-DNA position 248, C replaced by G.
Protein change: p.Ser83Cys; replaces serine 83 with cysteine.
Molecular consequence: missense variant.
Genome position (GRCh38, 1-based): chrX:153,505,247, C>G. VCF-style: chrX-153505247-C-G. GRCh37 (hg19) VCF-style: chrX-152770705-C-G.
Other names: short protein forms S83C.
Identifiers: ClinVar variation 4206840 (VCV004206840.1).